The following is an entry in ClinVar:

ClinVar aggregate classification (germline): Uncertain significance (1 of 4 stars; one submission).

Conditions:
Combined deficiency of sialidase AND beta galactosidase (GSL). Also called: GOLDBERG SYNDROME; NEURAMINIDASE DEFICIENCY WITH BETA-GALACTOSIDASE DEFICIENCY; NEURAMINIDASE/BETA-GALACTOSIDASE EXPRESSION; PPCA DEFICIENCY; PROTECTIVE PROTEIN/CATHEPSIN A DEFICIENCY; Galactosialidosis. Identifiers: Orphanet 351, MedGen C0268233, MONDO:0009737, OMIM 256540.

Allele frequency attached by ClinVar (database versions not stated): gnomAD exomes below 0.00001 and 0.00001; TOPMed below 0.00001.

Submission:

Labcorp Genetics (formerly Invitae), Labcorp
Classification: Uncertain significance for Combined deficiency of sialidase AND beta galactosidase. Last evaluated: 2020-11-18. Review status: criteria provided, single submitter. Criteria: Invitae Variant Classification Sherloc (09022015). Collection method: clinical testing. Allele origin: germline.
Comment: This variant has not been reported in the literature in individuals with CTSA-related conditions. Algorithms developed to predict the effect of missense changes on protein structure and function are either unavailable or do not agree on the potential impact of this missense change (SIFT: "Not Available"; PolyPhen-2: "Benign"; Align-GVGD: "Not Available"). In summary, the available evidence is currently insufficient to determine the role of this variant in disease. Therefore, it has been classified as a Variant of Uncertain Significance. This variant is not present in population databases (ExAC no frequency). This sequence change replaces aspartic acid with asparagine at codon 49 of the CTSA protein (p.Asp49Asn). The aspartic acid residue is moderately conserved and there is a small physicochemical difference between aspartic acid and asparagine.

NM_000308.4(CTSA):c.91G>A (p.Asp31Asn)

Genes: CTSA (cathepsin A; plus strand), LOC130065974 (ATAC-STARR-seq lymphoblastoid active region 17954; plus strand). Cytogenetic location: 20q13.12.
Variant type: single nucleotide variant.
Coding change: c.91G>A on transcript NM_000308.4 (MANE Select); coding-DNA position 91, G replaced by A.
Protein change: p.Asp31Asn; replaces aspartic acid 31 with asparagine.
Molecular consequence: missense variant. On other transcripts: non-coding transcript variant (1).
Genome position (GRCh38, 1-based): chr20:45,891,659, G>A. VCF-style: chr20-45891659-G-A. GRCh37 (hg19) VCF-style: chr20-44520298-G-A.
Other names: c.91G>A, p.Asp31Asn (NM_001167594.3, NM_001127695.3); short protein forms D31N.
Identifiers: ClinVar variation 1486490 (VCV001486490.5), dbSNP rs961795659, ClinGen allele CA315659009.